The following is an entry in ClinVar:

NM_000548.5(TSC2):c.1925C>A (p.Pro642His)

Gene: TSC2 (TSC complex subunit 2; plus strand). Cytogenetic location: 16p13.3.
Variant type: single nucleotide variant.
Coding change: c.1925C>A on transcript NM_000548.5 (MANE Select); coding-DNA position 1925, C replaced by A.
Protein change: p.Pro642His; replaces proline 642 with histidine.
Molecular consequence: missense variant.
Genome position (GRCh38, 1-based): chr16:2,071,595, C>A. VCF-style: chr16-2071595-C-A. GRCh37 (hg19) VCF-style: chr16-2121596-C-A.
Other names: c.1925C>A, p.Pro642His (NM_001077183.3, NM_001114382.3, NM_001363528.2 and 3 more transcripts); c.1814C>A, p.Pro605His (NM_001318827.2); c.1778C>A, p.Pro593His (NM_001318829.2); c.1325C>A, p.Pro442His (NM_001318831.2); c.1958C>A, p.Pro653His (NM_001318832.2); short protein forms P642H, P442H, P653H, P593H, P605H.
Identifiers: ClinVar variation 836936 (VCV000836936.17), dbSNP rs1408228669, ClinGen allele CA394273282.

ClinVar aggregate classification (germline): Uncertain significance. Review status: criteria provided, multiple submitters, no conflicts (2 of 4 stars). 4 submissions from 4 submitters: Uncertain significance (4). Last evaluated 2025-08-18.

Conditions:
Tuberous sclerosis 2 (TSC2). Identifiers: Orphanet 805, MedGen C1860707, MONDO:0013199, OMIM 613254.
Hereditary cancer-predisposing syndrome. Also called: Neoplastic Syndromes, Hereditary; Hereditary neoplastic syndrome; Tumor predisposition; Hereditary Cancer Syndrome. Identifiers: Orphanet 140162, MedGen C0027672, MeSH D009386, MONDO:0015356.
Tuberous sclerosis syndrome (TSC). Also called: Tuberous Sclerosis Complex; Tuberous sclerosis. Identifiers: Orphanet 805, MedGen C0041341, MONDO:0001734.

gnomAD v4.1: 2 of 1,613,444 alleles (0.00012%); highest among the groups gnomAD compares: African/African-American, 0.0013%; no homozygotes.

Submissions (4):

GeneDx
Classification: Uncertain significance. Last evaluated: 2025-08-18. Review status: criteria provided, single submitter. Criteria: GeneDx Variant Classification Process June 2021. Collection method: clinical testing. Allele origin: germline.
Comment: Not observed at significant frequency in large population cohorts (gnomAD); In silico analysis supports that this missense variant has a deleterious effect on protein structure/function; Has not been previously published as pathogenic or benign to our knowledge

Ambry Genetics
Classification: Uncertain significance for Hereditary cancer-predisposing syndrome. Last evaluated: 2025-05-19. Review status: criteria provided, single submitter. Criteria: Ambry Variant Classification Scheme 2023. Collection method: clinical testing. Allele origin: germline.
Comment: The p.P642H variant (also known as c.1925C>A), located in coding exon 17 of the TSC2 gene, results from a C to A substitution at nucleotide position 1925. The proline at codon 642 is replaced by histidine, an amino acid with similar properties. This amino acid position is conserved. In addition, this alteration is predicted to be deleterious by in silico analysis. Since supporting evidence is limited at this time, the clinical significance of this alteration remains unclear.

Labcorp Genetics (formerly Invitae), Labcorp
Classification: Uncertain significance for Tuberous sclerosis 2. Last evaluated: 2024-03-06. Review status: criteria provided, single submitter. Criteria: Invitae Variant Classification Sherloc (09022015). Collection method: clinical testing. Allele origin: germline.
Comment: This sequence change replaces proline, which is neutral and non-polar, with histidine, which is basic and polar, at codon 642 of the TSC2 protein (p.Pro642His). This variant is not present in population databases (gnomAD no frequency). This variant has not been reported in the literature in individuals affected with TSC2-related conditions. ClinVar contains an entry for this variant (Variation ID: 836936). Advanced modeling of protein sequence and biophysical properties (such as structural, functional, and spatial information, amino acid conservation, physicochemical variation, residue mobility, and thermodynamic stability) performed at Invitae indicates that this missense variant is not expected to disrupt TSC2 protein function with a negative predictive value of 95%. In summary, the available evidence is currently insufficient to determine the role of this variant in disease. Therefore, it has been classified as a Variant of Uncertain Significance.

All of Us Research Program, National Institutes of Health
Classification: Uncertain significance for Tuberous sclerosis syndrome. Last evaluated: 2023-08-15. Review status: criteria provided, single submitter. Criteria: ACMG Guidelines, 2015. Collection method: clinical testing. Allele origin: germline. Inheritance: Autosomal dominant inheritance. Observed: 1 variant allele, 1 heterozygote.
Comment: This study involves interpretation of variants in research participants for the purpose of population health screening. Participant phenotype was not available at the time of variant classification. Additional details can be found in publication PMID: 35346344, PMCID: PMC8962531